The following is an entry in ClinVar:

NM_001346249.2(RALGAPA1):c.6359A>G (p.Tyr2120Cys)

Gene: RALGAPA1 (Ral GTPase activating protein catalytic subunit alpha 1; minus strand). Cytogenetic location: 14q13.2.
Variant type: single nucleotide variant.
Coding change: c.6359A>G on transcript NM_001346249.2 (MANE Select); coding-DNA position 6359, A replaced by G.
Protein change: p.Tyr2120Cys; replaces tyrosine 2120 with cysteine.
Molecular consequence: missense variant.
Genome position (GRCh38, 1-based): chr14:35,627,588, T>C on the plus strand (A>G on the coding strand, the complement: RALGAPA1 is on the minus strand). VCF-style: chr14-35627588-T-C. GRCh37 (hg19) VCF-style: chr14-36096794-T-C.
Other names: c.4880A>G, p.Tyr1627Cys (NM_001283043.3); c.4982A>G, p.Tyr1661Cys (NM_001283044.3, NM_001346245.2, NM_001346247.2); c.6218A>G, p.Tyr2073Cys (NM_001330075.3, NM_001346248.2); c.4841A>G, p.Tyr1614Cys (NM_001346243.2, NM_001346246.2, NM_014990.3 and 1 more transcripts); short protein forms Y1614C, Y1627C, Y1661C, Y2073C, Y2120C.
Identifiers: ClinVar variation 3359704 (VCV003359704.1).

ClinVar aggregate classification (germline): Uncertain significance (1 of 4 stars; one submission).

gnomAD v4.1: 5 of 1,575,130 alleles (0.00032%); highest among the groups gnomAD compares: Non-Finnish European, 0.00043%; 1 homozygote.

Submission:

GeneDx
Classification: Uncertain significance. Last evaluated: 2023-06-12. Review status: criteria provided, single submitter. Criteria: GeneDx Variant Classification Process June 2021. Collection method: clinical testing. Allele origin: germline. Affected: yes.
Comment: Not observed at significant frequency in large population cohorts (gnomAD); In silico analysis supports that this missense variant has a deleterious effect on protein structure/function; Has not been previously published as pathogenic or benign to our knowledge